The following is an entry in ClinVar:

ClinVar aggregate classification (germline): Uncertain significance (1 of 4 stars; one submission).

Conditions:
Developmental and epileptic encephalopathy, 23 (DEE23). Also called: Epileptic encephalopathy, early infantile, 23. Identifiers: Orphanet 411986, MedGen C4014492, MONDO:0014371, OMIM 615859.

Allele frequency attached by ClinVar (database versions not stated): gnomAD 0.00001; TOPMed 0.00001.
gnomAD v4.1: 2 of 1,374,664 alleles (0.00015%); highest among the groups gnomAD compares: African/African-American, 0.0015%; no homozygotes.

Submission:

Labcorp Genetics (formerly Invitae), Labcorp
Classification: Uncertain significance for Developmental and epileptic encephalopathy, 23. Last evaluated: 2023-06-19. Review status: criteria provided, single submitter. Criteria: Invitae Variant Classification Sherloc (09022015). Collection method: clinical testing. Allele origin: germline.
Comment: An algorithm developed to predict the effect of missense changes on protein structure and function (PolyPhen-2) suggests that this variant¬†is likely to be tolerated. In summary, the available evidence is currently insufficient to determine the role of this variant in disease. Therefore, it has been classified as a Variant of Uncertain Significance. ClinVar contains an entry for this variant (Variation ID: 2053472). This variant has not been reported in the literature in individuals affected with DOCK7-related conditions. This variant is not present in population databases (gnomAD no frequency). This sequence change replaces alanine, which is neutral and non-polar, with valine, which is neutral and non-polar, at codon 8 of the DOCK7 protein (p.Ala8Val).

NM_001367561.1(DOCK7):c.23C>T (p.Ala8Val)

Genes: DOCK7 (dedicator of cytokinesis 7; minus strand), LOC129930655 (ATAC-STARR-seq lymphoblastoid silent region 946; plus strand). Cytogenetic location: 1p31.3.
Variant type: single nucleotide variant.
Coding change: c.23C>T on transcript NM_001367561.1 (MANE Select); coding-DNA position 23, C replaced by T.
Protein change: p.Ala8Val; replaces alanine 8 with valine.
Molecular consequence: missense variant.
Genome position (GRCh38, 1-based): chr1:62,688,242, G>A on the plus strand (C>T on the coding strand, the complement: DOCK7 is on the minus strand). VCF-style: chr1-62688242-G-A. GRCh37 (hg19) VCF-style: chr1-63153913-G-A.
Other names: c.23C>T, p.Ala8Val (NM_001271999.2, NM_001272000.2, NM_001272001.2 and 3 more transcripts); short protein forms A8V.
Identifiers: ClinVar variation 2053472 (VCV002053472.2), dbSNP rs1485597468, ClinGen allele CA340709073.